The following is an entry in ClinVar:

ClinVar aggregate classification (germline): Likely benign. Review status: criteria provided, multiple submitters, no conflicts (2 of 4 stars). 2 submissions from 2 submitters: Likely benign (2). Last evaluated 2025-10-15.

Conditions:
Dilated cardiomyopathy 1KK (CMD1KK). Identifiers: Orphanet 154, Orphanet 75249, MedGen C3714995, MONDO:0014100, OMIM 615248.

Allele frequency attached by ClinVar (database versions not stated): gnomAD 0.00001; gnomAD exomes 0.00001.
gnomAD v4.1: 5 of 1,608,778 alleles (0.00031%); highest among the groups gnomAD compares: Non-Finnish European, 0.00042%; no homozygotes.

Submissions (2):

Labcorp Genetics (formerly Invitae), Labcorp
Classification: Likely benign for Dilated cardiomyopathy 1KK. Last evaluated: 2025-10-15. Review status: criteria provided, single submitter. Criteria: Invitae Variant Classification Sherloc (09022015). Collection method: clinical testing. Allele origin: germline.

CeGaT Center for Human Genetics Tuebingen
Classification: Likely benign. Last evaluated: 2023-01-01. Review status: criteria provided, single submitter. Criteria: CeGaT Center For Human Genetics Tuebingen Variant Classification Criteria Version 2. Collection method: clinical testing. Allele origin: germline. Affected: yes. Observed: 1 variant allele.
Comment: MYPN: BP4, BP7

NM_032578.4(MYPN):c.765C>A (p.Ser255=)

Gene: MYPN (myopalladin; plus strand). Cytogenetic location: 10q21.3.
Variant type: single nucleotide variant.
Coding change: c.765C>A on transcript NM_032578.4 (MANE Select); coding-DNA position 765, C replaced by A.
Protein change: p.Ser255=; no amino-acid change (serine 255 retained).
Molecular consequence: synonymous variant. On other transcripts: 5 prime UTR variant (1), non-coding transcript variant (1).
Genome position (GRCh38, 1-based): chr10:68,122,203, C>A. VCF-style: chr10-68122203-C-A. GRCh37 (hg19) VCF-style: chr10-69881960-C-A.
Other names: c.765C>A, p.Ser255= (NM_001256267.2); c.-358C>A (NM_001256268.2).
Identifiers: ClinVar variation 2640523 (VCV002640523.26), dbSNP rs1460606119, ClinGen allele CA470003985.